The following is an entry in ClinVar:

ClinVar aggregate classification (germline): Uncertain significance (1 of 4 stars; one submission).

Submission:

Labcorp Genetics (formerly Invitae), Labcorp
Classification: Uncertain significance. Last evaluated: 2020-12-10. Review status: criteria provided, single submitter. Criteria: Invitae Variant Classification Sherloc (09022015). Collection method: clinical testing. Allele origin: germline.
Comment: This sequence change replaces proline with leucine at codon 250 of the PLK4 protein (p.Pro250Leu). The proline residue is highly conserved and there is a moderate physicochemical difference between proline and leucine. This variant is not present in population databases (ExAC no frequency). In summary, the available evidence is currently insufficient to determine the role of this variant in disease. Therefore, it has been classified as a Variant of Uncertain Significance. Algorithms developed to predict the effect of missense changes on protein structure and function (SIFT, PolyPhen-2, Align-GVGD) all suggest that this variant is likely to be disruptive, but these predictions have not been confirmed by published functional studies and their clinical significance is uncertain. This variant has not been reported in the literature in individuals with PLK4-related conditions.

NM_014264.5(PLK4):c.749C>T (p.Pro250Leu)

Gene: PLK4 (polo like kinase 4; plus strand). Cytogenetic location: 4q28.1.
Variant type: single nucleotide variant.
Coding change: c.749C>T on transcript NM_014264.5 (MANE Select); coding-DNA position 749, C replaced by T.
Protein change: p.Pro250Leu; replaces proline 250 with leucine.
Molecular consequence: missense variant.
Genome position (GRCh38, 1-based): chr4:127,886,119, C>T. VCF-style: chr4-127886119-C-T. GRCh37 (hg19) VCF-style: chr4-128807274-C-T.
Other names: c.653C>T, p.Pro218Leu (NM_001190799.2); c.626C>T, p.Pro209Leu (NM_001190801.2); short protein forms P218L, P209L, P250L.
Identifiers: ClinVar variation 1468103 (VCV001468103.8), dbSNP rs2148817862, ClinGen allele CA358150168.
Genomic context (GRCh38, chr4:127,886,119, plus strand): 5'-TGCCATCTTTTTTGTCAATAGAGGCCAAGGACCTTATTCACCAGTTACTTCGTAGAAATC[C>T]AGCAGATCGTTTAAGTCTGTCTTCAGTATTGGACCATCCTTTTATGTCCCGAAATTCTTC-3'
Protein context (NP_055079.3, residues 240-260): DLIHQLLRRN[Pro250Leu]ADRLSLSSVL